The following is an entry in ClinVar:

ClinVar aggregate classification (germline): Uncertain significance (1 of 4 stars; one submission).

Conditions:
Hereditary cancer-predisposing syndrome. Also called: Neoplastic Syndromes, Hereditary; Tumor predisposition; Hereditary Cancer Syndrome; Hereditary neoplastic syndrome. Identifiers: Orphanet 140162, MedGen C0027672, MeSH D009386, MONDO:0015356.

Submission:

Ambry Genetics
Classification: Uncertain significance for Hereditary cancer-predisposing syndrome. Last evaluated: 2026-05-27. Review status: criteria provided, single submitter. Criteria: Ambry Variant Classification Scheme 2023. Collection method: clinical testing. Allele origin: germline.
Comment: The p.E165D variant (also known as c.495A>T), located in coding exon 5 of the SDHB gene, results from an A to T substitution at nucleotide position 495. The glutamic acid at codon 165 is replaced by aspartic acid, an amino acid with highly similar properties. This amino acid position is conserved. In addition, this alteration is predicted to be tolerated by in silico analysis. Based on the available evidence, the clinical significance of this variant remains unclear.

NM_003000.3(SDHB):c.495A>T (p.Glu165Asp)

Gene: SDHB (succinate dehydrogenase complex iron sulfur subunit B; minus strand). Cytogenetic location: 1p36.13.
Variant type: single nucleotide variant.
Coding change: c.495A>T on transcript NM_003000.3 (MANE Select); coding-DNA position 495, A replaced by T.
Protein change: p.Glu165Asp; replaces glutamic acid 165 with aspartic acid.
Molecular consequence: missense variant.
Genome position (GRCh38, 1-based): chr1:17,027,794, T>A on the plus strand (A>T on the coding strand, the complement: SDHB is on the minus strand). VCF-style: chr1-17027794-T-A. GRCh37 (hg19) VCF-style: chr1-17354289-T-A.
Other names: c.441A>T, p.Glu147Asp (NM_001407361.1); short protein forms E147D, E165D.
Identifiers: ClinVar variation 4864267 (VCV004864267.1).
Genomic context (GRCh38, chr1:17,027,794, plus strand): 5'-ATAGGGACTAATGACCAGTTTCTCACGCTCTTCTATGGACTGCAGATACTGCTGCTTGCC[T>A]TCCTGAGATTCATCCTTCTTCTTCAAATAAGGCTCAATGGATTTGTACTGTGCATAGAAG-3'
Protein context (NP_002991.2, residues 155-175): PYLKKKDESQ[Glu165Asp]GKQQYLQSIE